The following is an entry in ClinVar:

NM_006231.4(POLE):c.823G>C (p.Asp275His)

Gene: POLE (DNA polymerase epsilon, catalytic subunit; minus strand). Cytogenetic location: 12q24.33.
Variant type: single nucleotide variant.
Coding change: c.823G>C on transcript NM_006231.4 (MANE Select); coding-DNA position 823, G replaced by C.
Protein change: p.Asp275His; replaces aspartic acid 275 with histidine.
Molecular consequence: missense variant.
Genome position (GRCh38, 1-based): chr12:132,676,632, C>G on the plus strand (G>C on the coding strand, the complement: POLE is on the minus strand). VCF-style: chr12-132676632-C-G. GRCh37 (hg19) VCF-style: chr12-133253218-C-G.
Other names: short protein forms D275H.
Identifiers: ClinVar variation 246352 (VCV000246352.15), dbSNP rs879254218, ClinGen allele CA10584414.

ClinVar aggregate classification (germline): Uncertain significance. Review status: criteria provided, multiple submitters, no conflicts (2 of 4 stars). 4 submissions from 4 submitters: Uncertain significance (3). 1 of the submissions does not count toward it. Last evaluated 2023-08-08.
ClinVar aggregate classification (oncogenicity): Uncertain significance (1 of 4 stars; one submission).

Conditions:
Hereditary cancer-predisposing syndrome. Also called: Hereditary neoplastic syndrome; Neoplastic Syndromes, Hereditary; Tumor predisposition; Hereditary Cancer Syndrome. Identifiers: Orphanet 140162, MedGen C0027672, MeSH D009386, MONDO:0015356.
POLE-related disorder. Also called: POLE-related disorders; POLE-related condition.
Neoplasm. Also called: tumor; Neoplasms; Neoplasm (disease). Identifiers: MedGen C0027651, MeSH D009369, MONDO:0005070, HP:0002664.

gnomAD v4.1: 1 of 1,613,198 alleles (0.000062%); highest among the groups gnomAD compares: Non-Finnish European, 0.000085%; no homozygotes.

Submissions (5):

Center for Genomic Medicine, Rigshospitalet, Copenhagen University Hospital
Classification: Uncertain significance for Neoplasm. Last evaluated: 2025-03-04. Review status: criteria provided, single submitter. Criteria: ClinGen/CGC/VICC Guidelines for Oncogenicity, 2022. Collection method: clinical testing. Allele origin: somatic. Affected: yes.

Ambry Genetics
Classification: Uncertain significance for Hereditary cancer-predisposing syndrome. Last evaluated: 2023-08-08. Review status: criteria provided, single submitter. Criteria: Ambry Variant Classification Scheme 2023. Collection method: clinical testing. Allele origin: germline.
Comment: The p.D275H variant (also known as c.823G>C), located in coding exon 9 of the POLE gene, results from a G to C substitution at nucleotide position 823. The aspartic acid at codon 275 is replaced by histidine, an amino acid with similar properties. This amino acid position is highly conserved in available vertebrate species. In addition, this alteration is predicted to be deleterious by in silico analysis. Since supporting evidence is limited at this time, the clinical significance of this alteration remains unclear.

Labcorp Genetics (formerly Invitae), Labcorp
Classification: Uncertain significance. Last evaluated: 2022-03-15. Review status: criteria provided, single submitter. Criteria: Invitae Variant Classification Sherloc (09022015). Collection method: clinical testing. Allele origin: germline.
Comment: This sequence change replaces aspartic acid, which is acidic and polar, with histidine, which is basic and polar, at codon 275 of the POLE protein (p.Asp275His). This variant is not present in population databases (gnomAD no frequency). This variant has not been reported in the literature in individuals affected with POLE-related conditions. ClinVar contains an entry for this variant (Variation ID: 246352). Algorithms developed to predict the effect of missense changes on protein structure and function (SIFT, PolyPhen-2, Align-GVGD) all suggest that this variant is likely to be disruptive. In summary, the available evidence is currently insufficient to determine the role of this variant in disease. Therefore, it has been classified as a Variant of Uncertain Significance.

GeneDx
Classification: Uncertain significance. Last evaluated: 2016-01-26. Review status: criteria provided, single submitter. Criteria: GeneDx Variant Classification (06012015). Collection method: clinical testing. Allele origin: germline. Affected: yes.
Comment: This variant is denoted POLE c.823G>C at the cDNA level, p.Asp275His (D275H) at the protein level, and results in the change of an Aspartic Acid to a Histidine (GAC>CAC). This variant has not, to our knowledge, been published in the literature as pathogenic or benign, although the Asp275 residue has been identified as important for metal ion binding, a necessary step in the catalytic reaction required for exonuclease activity (Derbyshire 1988). Functional assays interrogating a double mutant including a different amino acid alteration at this residue, POLE Asp275Ala, in combination with Glu277Ala, found significantly increased spontaneous mutation rates and loss of exonuclease activity when introduced in human and mouse cells as well as yeast and E. coli (Morrison 1991, Albertson 2009, Agbor 2013). Additionally the prokaryotic corollary of Asp275Ala demonstrated similar results when analyzed in the Phi-29 phage (Bernad 1989). However, to our knowledge, such functional studies have not been performed to interrogate POLE Asp275His.POLE Asp275His was not observed in approximately 6,500 individuals of European and African American ancestry in the NHLBI Exome Sequencing Project, suggesting it is not a common benign variant in these populations. Since Aspartic Acid and Histidine differ in polarity, charge, size or other properties, this is considered a non-conservative amino acid substitution. POLE Asp275His occurs at a position that is conserved across species and is located within motif I of the exonuclease domain (Preston 2010). In silico analyses predict that this variant is probably damaging to protein structure and function. Although this variant occurs at a residue likely to be functionally important, based on currently available evidence we consider POLE Asp275His to be a variant of uncertain significance.

PreventionGenetics, part of Exact Sciences
Classification: Uncertain significance for POLE-related condition. Last evaluated: 2024-03-29. Review status: no assertion criteria provided. Collection method: clinical testing. Allele origin: germline. Not counted in ClinVar's aggregate classification.
Comment: The POLE c.823G>C variant is predicted to result in the amino acid substitution p.Asp275His. To our knowledge, this variant has not been reported in the literature or in a large population database, indicating this variant is rare. In ClinVar, this variant is interpreted as uncertain. At this time, the clinical significance of this variant is uncertain due to the absence of conclusive functional and genetic evidence.